The following is an entry in ClinVar:

NM_015909.4(NBAS):c.3818-3C>T

Gene: NBAS (NBAS subunit of NRZ tethering complex; minus strand). Cytogenetic location: 2p24.3.
Variant type: single nucleotide variant.
Coding change: c.3818-3C>T on transcript NM_015909.4 (MANE Select); 3 bases into the intron before coding-DNA position 3818, C replaced by T.
Molecular consequence: intron variant.
Genome position (GRCh38, 1-based): chr2:15,356,419, G>A on the plus strand (C>T on the coding strand, the complement: NBAS is on the minus strand). VCF-style: chr2-15356419-G-A. GRCh37 (hg19) VCF-style: chr2-15496543-G-A.
Other names: c.3818-3C>T (NM_015909.3).
Identifiers: ClinVar variation 1912807 (VCV001912807.6), dbSNP rs753282073, ClinGen allele CA1535890.

ClinVar aggregate classification (germline): Uncertain significance. Review status: criteria provided, single submitter (1 of 4 stars). 2 submissions from 2 submitters: Uncertain significance (1). 1 of the submissions does not count toward it. Last evaluated 2022-07-19.

Conditions:
NBAS-related disorder. Also called: NBAS-related condition.

Allele frequency attached by ClinVar (database versions not stated): gnomAD 0.00001; TOPMed 0.00002; ExAC 0.00003; gnomAD exomes 0.00006.
gnomAD v4.1: 83 of 1,607,178 alleles (0.0052%); highest among the groups gnomAD compares: Non-Finnish European, 0.0069%; no homozygotes.

Submissions (2):

Labcorp Genetics (formerly Invitae), Labcorp
Classification: Uncertain significance. Last evaluated: 2022-07-19. Review status: criteria provided, single submitter. Criteria: Invitae Variant Classification Sherloc (09022015). Collection method: clinical testing. Allele origin: germline.
Comment: In summary, the available evidence is currently insufficient to determine the role of this variant in disease. Therefore, it has been classified as a Variant of Uncertain Significance. Variants that disrupt the consensus splice site are a relatively common cause of aberrant splicing (PMID: 17576681, 9536098). Algorithms developed to predict the effect of sequence changes on RNA splicing suggest that this variant is not likely to affect RNA splicing. This variant has not been reported in the literature in individuals affected with NBAS-related conditions. This variant is present in population databases (rs753282073, gnomAD 0.005%). This sequence change falls in intron 32 of the NBAS gene. It does not directly change the encoded amino acid sequence of the NBAS protein. It affects a nucleotide within the consensus splice site.

PreventionGenetics, part of Exact Sciences
Classification: Uncertain significance for NBAS-related condition. Last evaluated: 2024-02-21. Review status: no assertion criteria provided. Collection method: clinical testing. Allele origin: germline. Not counted in ClinVar's aggregate classification.
Comment: The NBAS c.3818-3C>T variant is predicted to interfere with splicing. To our knowledge, this variant has not been reported in the literature. This variant is reported in 0.0039% of alleles in individuals of European (Non-Finnish) descent in gnomAD. At this time, the clinical significance of this variant is uncertain due to the absence of conclusive functional and genetic evidence.

Literature cited by the submitters: PubMed 17576681 (cited by Labcorp Genetics (formerly Invitae), Labcorp); PubMed 9536098 (cited by Labcorp Genetics (formerly Invitae), Labcorp).